The following is an entry in ClinVar:

NM_014874.4(MFN2):c.20G>A (p.Arg7Gln)

Gene: MFN2 (mitofusin 2; plus strand). Cytogenetic location: 1p36.22.
Variant type: single nucleotide variant.
Coding change: c.20G>A on transcript NM_014874.4 (MANE Select); coding-DNA position 20, G replaced by A.
Protein change: p.Arg7Gln; replaces arginine 7 with glutamine.
Molecular consequence: missense variant.
Genome position (GRCh38, 1-based): chr1:11,989,188, G>A. VCF-style: chr1-11989188-G-A. GRCh37 (hg19) VCF-style: chr1-12049245-G-A.
Other names: c.20G>A, p.Arg7Gln (NM_001127660.2); short protein forms R7Q.
Identifiers: ClinVar variation 1785885 (VCV001785885.3), dbSNP rs1296772735, ClinGen allele CA338459155.

ClinVar aggregate classification (germline): Uncertain significance. Review status: criteria provided, multiple submitters, no conflicts (2 of 4 stars). 2 submissions from 2 submitters: Uncertain significance (2). Last evaluated 2022-02-08.

Conditions:
Inborn genetic diseases. Identifiers: MedGen C0950123, MeSH D030342.

gnomAD v4.1: 3 of 1,614,064 alleles (0.00019%); highest among the groups gnomAD compares: Middle Eastern, 0.033%; no homozygotes.

Submissions (2):

Blueprint Genetics
Classification: Uncertain significance. Last evaluated: 2022-02-08. Review status: criteria provided, single submitter. Criteria: ACMG Guidelines, 2015. Collection method: clinical testing. Allele origin: germline.

Ambry Genetics
Classification: Uncertain significance for Inborn genetic diseases. Last evaluated: 2021-02-08. Review status: criteria provided, single submitter. Criteria: Ambry Variant Classification Scheme 2023. Collection method: clinical testing. Allele origin: germline.
Comment: The p.R7Q variant (also known as c.20G>A), located in coding exon 1 of the MFN2 gene, results from a G to A substitution at nucleotide position 20. The arginine at codon 7 is replaced by glutamine, an amino acid with highly similar properties. This variant was detected in the heterozygous state in an individual with early-onset myopia, who also had a frameshift variant in another myopia-associated gene (Zhou L et al. Exp Eye Res, 2018 06;171:76-91). This amino acid position is well conserved in available vertebrate species. In addition, the in silico prediction for this alteration is inconclusive. Since supporting evidence is limited at this time, the clinical significance of this alteration remains unclear.

Literature cited by the submitters: PubMed 29453956 (cited by Ambry Genetics).